The following is an entry in ClinVar:

NM_053025.4(MYLK):c.774-3C>T

Gene: MYLK (myosin light chain kinase; minus strand). Cytogenetic location: 3q21.1.
Variant type: single nucleotide variant.
Coding change: c.774-3C>T on transcript NM_053025.4 (MANE Select); 3 bases into the intron before coding-DNA position 774, C replaced by T.
Molecular consequence: intron variant.
Genome position (GRCh38, 1-based): chr3:123,734,225, G>A on the plus strand (C>T on the coding strand, the complement: MYLK is on the minus strand). VCF-style: chr3-123734225-G-A. GRCh37 (hg19) VCF-style: chr3-123453072-G-A.
Other names: c.246-3C>T (NM_001321309.2); c.774-3C>T (NM_053028.4, NM_053026.4, NM_053027.4).
Identifiers: ClinVar variation 643654 (VCV000643654.4), dbSNP rs1576782513, ClinGen allele CA915941542.

ClinVar aggregate classification (germline): Uncertain significance (1 of 4 stars; one submission).

Conditions:
Aortic aneurysm, familial thoracic 7 (AAT7). Also called: AORTIC DISSECTION, FAMILIAL, WITH OR WITHOUT AORTIC ANEURYSM. Identifiers: MedGen C3151077, MONDO:0013418, OMIM 613780.

Submission:

Labcorp Genetics (formerly Invitae), Labcorp
Classification: Uncertain significance for Aortic aneurysm, familial thoracic 7. Last evaluated: 2018-10-11. Review status: criteria provided, single submitter. Criteria: Invitae Variant Classification Sherloc (09022015). Collection method: clinical testing. Allele origin: germline.
Comment: This sequence change falls in intron 9 of the MYLK gene. It does not directly change the encoded amino acid sequence of the MYLK protein, but it affects a nucleotide within the consensus splice site of the intron. This variant is not present in population databases (ExAC no frequency). This variant has not been reported in the literature in individuals with MYLK-related disease. Nucleotide substitutions within the consensus splice site are a relatively common cause of aberrant splicing (PMID: 17576681, 9536098). Algorithms developed to predict the effect of sequence changes on RNA splicing suggest that this variant is not likely to affect RNA splicing, but this prediction has not been confirmed by published transcriptional studies. In summary, the available evidence is currently insufficient to determine the role of this variant in disease. Therefore, it has been classified as a Variant of Uncertain Significance.

Literature cited by the submitters: PubMed 17576681; PubMed 9536098.